The following is an entry in ClinVar:

ClinVar aggregate classification (germline): Pathogenic (1 of 4 stars; one submission).

Submission:

CeGaT Center for Human Genetics Tuebingen
Classification: Pathogenic. Last evaluated: 2022-08-01. Review status: criteria provided, single submitter. Criteria: CeGaT Center For Human Genetics Tuebingen Variant Classification Criteria Version 2. Collection method: clinical testing. Allele origin: germline. Affected: yes. Observed: 1 variant allele.
Comment: KDM6A: PVS1, PM2

NM_001291415.2(KDM6A):c.2328_2329del (p.Leu777fs)

Gene: KDM6A (lysine demethylase 6A; plus strand). Cytogenetic location: Xp11.3.
Variant type: Microsatellite.
Coding change: c.2328_2329del on transcript NM_001291415.2 (MANE Select); coding-DNA positions 2328 to 2329, 2 bases deleted (AT; older notation c.2328_2329delAT).
Protein change: p.Leu777fs; shifts the reading frame from leucine 777.
Molecular consequence: frameshift variant. On other transcripts: non-coding transcript variant (1).
Genome position (GRCh38, 1-based): chrX:45,069,827-45,069,828, AT deleted; deleting any 2 consecutive bases within chrX:45,069,825-45,069,828 gives the same sequence; the c. name uses the placement nearest the transcript's 3' end. VCF-style (leftmost placement, unchanged base first): chrX-45069824-CAT-C. GRCh37 (hg19) VCF-style: chrX-44929069-CAT-C.
Other names: c.2193_2194del, p.Leu732fs (NM_001291416.2); c.2037_2038del, p.Leu680fs (NM_001291417.2); c.1935_1936del, p.Leu646fs (NM_001291418.2); c.1284_1285del, p.Leu429fs (NM_001291421.2); c.2068_2069AT[1], p.Leu691Aspfs (NM_001410742.1); c.2172_2173del, p.Leu725fs (NM_021140.4); short protein forms L429fs, L646fs, L680fs, L725fs, L732fs, L777fs.
Identifiers: ClinVar variation 1711707 (VCV001711707.30), dbSNP rs2522979442, ClinGen allele CA2580617017.